The following is an entry in ClinVar:

ClinVar aggregate classification (germline): Uncertain significance (1 of 4 stars; one submission).

Conditions:
Dilated cardiomyopathy 1G (CMD1G). Identifiers: Orphanet 154, MedGen C1858763, MONDO:0011400, OMIM 604145.

gnomAD v4.1: 35 of 1,610,822 alleles (0.0022%); highest among the groups gnomAD compares: South Asian, 0.0066%; no homozygotes.

Submission:

MVZ Praenatalmedizin und Genetik Nuernberg
Classification: Uncertain significance for Dilated cardiomyopathy 1G. Last evaluated: 2023-09-12. Review status: criteria provided, single submitter. Criteria: ACMG Guidelines, 2015. Collection method: clinical testing. Allele origin: germline. Affected: yes.
Comment: The variant is very rare (gnomADv2.1.1). It has not yet been reported in the ClinVar database. A literature search did not yield any additional information. Computer-based predictions (in silico) yield inconsistent results. In summary, we consider this variant to be a variant of unknown significance.

NM_001267550.2(TTN):c.91928C>T (p.Ala30643Val)

Genes: TTN (titin; minus strand), TTN-AS1 (TTN antisense RNA 1; plus strand). Cytogenetic location: 2q31.2.
Variant type: single nucleotide variant.
Coding change: c.91928C>T on transcript NM_001267550.2 (MANE Select); coding-DNA position 91928, C replaced by T.
Protein change: p.Ala30643Val; replaces alanine 30643 with valine.
Molecular consequence: missense variant.
Genome position (GRCh38, 1-based): chr2:178,549,794, G>A on the plus strand (C>T on the coding strand, the complement: TTN is on the minus strand). VCF-style: chr2-178549794-G-A. GRCh37 (hg19) VCF-style: chr2-179414521-G-A.
Other names: c.87005C>T, p.Ala29002Val (NM_001256850.1); c.64733C>T, p.Ala21578Val (NM_003319.4); c.84224C>T, p.Ala28075Val (NM_133378.4); c.65108C>T, p.Ala21703Val (NM_133432.3); c.65309C>T, p.Ala21770Val (NM_133437.4); short protein forms A21578V, A21703V, A21770V, A28075V, A29002V, A30643V.
Identifiers: ClinVar variation 4813422 (VCV004813422.1).